The following is an entry in ClinVar:

NM_001197104.2(KMT2A):c.3856G>T (p.Ala1286Ser)

Gene: KMT2A (lysine methyltransferase 2A; plus strand). Cytogenetic location: 11q23.3.
Variant type: single nucleotide variant.
Coding change: c.3856G>T on transcript NM_001197104.2 (MANE Select); coding-DNA position 3856, G replaced by T.
Protein change: p.Ala1286Ser; replaces alanine 1286 with serine.
Molecular consequence: missense variant.
Genome position (GRCh38, 1-based): chr11:118,481,936, G>T. VCF-style: chr11-118481936-G-T. GRCh37 (hg19) VCF-style: chr11-118352651-G-T.
Other names: c.3955G>T, p.Ala1319Ser (NM_001412597.1); c.3856G>T, p.Ala1286Ser (NM_005933.4); short protein forms A1286S, A1319S.
Identifiers: ClinVar variation 2843641 (VCV002843641.3), dbSNP rs1555039392, ClinGen allele CA382828150.

ClinVar aggregate classification (germline): Uncertain significance (1 of 4 stars; one submission).

gnomAD v4.1: 1 of 1,614,036 alleles (0.000062%); highest among the groups gnomAD compares: African/African-American, 0.0013%; no homozygotes.

Submission:

Labcorp Genetics (formerly Invitae), Labcorp
Classification: Uncertain significance. Last evaluated: 2025-08-21. Review status: criteria provided, single submitter. Criteria: Invitae Variant Classification Sherloc (09022015). Collection method: clinical testing. Allele origin: germline.
Comment: This sequence change replaces alanine, which is neutral and non-polar, with serine, which is neutral and polar, at codon 1286 of the KMT2A protein (p.Ala1286Ser). This variant is present in population databases (no rsID available, gnomAD 0.01%). This variant has not been reported in the literature in individuals affected with KMT2A-related conditions. ClinVar contains an entry for this variant (Variation ID: 2843641). Invitae Evidence Modeling of protein sequence and biophysical properties (such as structural, functional, and spatial information, amino acid conservation, physicochemical variation, residue mobility, and thermodynamic stability) indicates that this missense variant is not expected to disrupt KMT2A protein function with a negative predictive value of 95%. In summary, the available evidence is currently insufficient to determine the role of this variant in disease. Therefore, it has been classified as a Variant of Uncertain Significance.